The following is an entry in ClinVar:

NM_001009999.3(KDM1A):c.691C>G (p.Leu231Val)

Gene: KDM1A (lysine demethylase 1A; plus strand). Cytogenetic location: 1p36.12.
Variant type: single nucleotide variant.
Coding change: c.691C>G on transcript NM_001009999.3 (MANE Select); coding-DNA position 691, C replaced by G.
Protein change: p.Leu231Val; replaces leucine 231 with valine.
Molecular consequence: missense variant.
Genome position (GRCh38, 1-based): chr1:23,050,500, C>G. VCF-style: chr1-23050500-C-G. GRCh37 (hg19) VCF-style: chr1-23376993-C-G.
Other names: c.631C>G, p.Leu211Val (NM_001363654.2, NM_001410763.1, NM_015013.4); c.691C>G, p.Leu231Val (NM_001410762.1); c.691C>G (NM_001009999.2); short protein forms L211V, L231V.
Identifiers: ClinVar variation 3632982 (VCV003632982.3).

ClinVar aggregate classification (germline): Uncertain significance. Review status: criteria provided, multiple submitters, no conflicts (2 of 4 stars). 2 submissions from 2 submitters: Uncertain significance (2). Last evaluated 2024-09-23.

Submissions (2):

GeneDx
Classification: Uncertain significance. Last evaluated: 2024-09-23. Review status: criteria provided, single submitter. Criteria: GeneDx Variant Classification Process June 2021. Collection method: clinical testing. Allele origin: germline. Affected: yes.
Comment: Not observed at significant frequency in large population cohorts (gnomAD); In silico analysis indicates that this missense variant does not alter protein structure/function; Has not been previously published as pathogenic or benign to our knowledge

Labcorp Genetics (formerly Invitae), Labcorp
Classification: Uncertain significance. Last evaluated: 2024-08-13. Review status: criteria provided, single submitter. Criteria: Invitae Variant Classification Sherloc (09022015). Collection method: clinical testing. Allele origin: germline.
Comment: This sequence change replaces leucine, which is neutral and non-polar, with valine, which is neutral and non-polar, at codon 231 of the KDM1A protein (p.Leu231Val). This variant is not present in population databases (gnomAD no frequency). This variant has not been reported in the literature in individuals affected with KDM1A-related conditions. Invitae Evidence Modeling of protein sequence and biophysical properties (such as structural, functional, and spatial information, amino acid conservation, physicochemical variation, residue mobility, and thermodynamic stability) indicates that this missense variant is not expected to disrupt KDM1A protein function with a negative predictive value of 80%. In summary, the available evidence is currently insufficient to determine the role of this variant in disease. Therefore, it has been classified as a Variant of Uncertain Significance.